The following is an entry in ClinVar:

ClinVar aggregate classification (germline): Uncertain significance (1 of 4 stars; one submission).

Conditions:
Tuberous sclerosis 2 (TSC2). Identifiers: Orphanet 805, MedGen C1860707, MONDO:0013199, OMIM 613254.

Submission:

Labcorp Genetics (formerly Invitae), Labcorp
Classification: Uncertain significance for Tuberous sclerosis 2. Last evaluated: 2017-10-12. Review status: criteria provided, single submitter. Criteria: Invitae Variant Classification Sherloc (09022015). Collection method: clinical testing. Allele origin: germline.
Comment: This variant is a gross duplication of the genomic region encompassing exons 10-42 of the TSC2 gene. The 5' boundary is likely confined to intron 10. The 3' end of this event is unknown as it extends beyond the assayed region for this gene and therefore may encompass additional genes. The exact location of this variant in the genome is unknown. Duplications of exons 10-42 have not been reported in the literature in individuals with a TSC2-related disease. In summary, the exact genomic location of this variant is unknown and the impact of this duplication on TSC2 protein function has not been established. Therefore, it has been classified as a Variant of Uncertain Significance.

NC_000016.9:g.(?_2108742)_(2138617_?)dup

Gene: TSC2 (TSC complex subunit 2; plus strand). Cytogenetic location: 16p13.3.
Variant type: Duplication.
Identifiers: ClinVar variation 536117 (VCV000536117.1).